The following is an entry in ClinVar:

ClinVar aggregate classification (germline): Uncertain significance (1 of 4 stars; one submission).

Allele frequency attached by ClinVar (database versions not stated): TOPMed below 0.00001; gnomAD 0.00001.
gnomAD v4.1: 2 of 1,612,706 alleles (0.00012%); highest among the groups gnomAD compares: Non-Finnish European, 0.00017%; no homozygotes.

Submission:

Labcorp Genetics (formerly Invitae), Labcorp
Classification: Uncertain significance. Last evaluated: 2025-03-17. Review status: criteria provided, single submitter. Criteria: Invitae Variant Classification Sherloc (09022015). Collection method: clinical testing. Allele origin: germline.
Comment: This sequence change replaces alanine, which is neutral and non-polar, with threonine, which is neutral and polar, at codon 475 of the FZD4 protein (p.Ala475Thr). This variant is not present in population databases (gnomAD no frequency). This variant has not been reported in the literature in individuals affected with FZD4-related conditions. ClinVar contains an entry for this variant (Variation ID: 2816856). Invitae Evidence Modeling of protein sequence and biophysical properties (such as structural, functional, and spatial information, amino acid conservation, physicochemical variation, residue mobility, and thermodynamic stability) indicates that this missense variant is not expected to disrupt FZD4 protein function with a negative predictive value of 80%. In summary, the available evidence is currently insufficient to determine the role of this variant in disease. Therefore, it has been classified as a Variant of Uncertain Significance.

NM_012193.4(FZD4):c.1423G>A (p.Ala475Thr)

Genes: FZD4 (frizzled class receptor 4; minus strand), PRSS23 (serine protease 23; plus strand). Cytogenetic location: 11q14.2.
Variant type: single nucleotide variant.
Coding change: c.1423G>A on transcript NM_012193.4 (MANE Select); coding-DNA position 1423, G replaced by A.
Protein change: p.Ala475Thr; replaces alanine 475 with threonine.
Molecular consequence: missense variant. On other transcripts: non-coding transcript variant (2).
Genome position (GRCh38, 1-based): chr11:86,951,333, C>T on the plus strand (G>A on the coding strand, the complement: FZD4 is on the minus strand). VCF-style: chr11-86951333-C-T. GRCh37 (hg19) VCF-style: chr11-86662375-C-T.
Other names: short protein forms A475T.
Identifiers: ClinVar variation 2816856 (VCV002816856.3), dbSNP rs781192701, ClinGen allele CA382011302.